The following is an entry in ClinVar:

NM_020297.4(ABCC9):c.4211+10A>G

Genes: ABCC9 (ATP binding cassette subfamily C member 9; minus strand), KCNJ8-AS1 (KCNJ8 antisense RNA 1; plus strand). Cytogenetic location: 12p12.1.
Variant type: single nucleotide variant.
Coding change: c.4211+10A>G on transcript NM_020297.4 (MANE Select); 10 bases into the intron after coding-DNA position 4211, A replaced by G.
Molecular consequence: intron variant.
Genome position (GRCh38, 1-based): chr12:21,812,039, T>C on the plus strand (A>G on the coding strand, the complement: ABCC9 is on the minus strand). VCF-style: chr12-21812039-T-C. GRCh37 (hg19) VCF-style: chr12-21964973-T-C.
Other names: c.3344+10A>G (NM_001377274.1); c.4211+10A>G (NM_005691.4, NM_001377273.1).
Identifiers: ClinVar variation 511571 (VCV000511571.2), dbSNP rs776928239, ClinGen allele CA6480916.

ClinVar aggregate classification (germline): Likely benign. Review status: criteria provided, multiple submitters, no conflicts (2 of 4 stars). 2 submissions from 2 submitters: Likely benign (2). Last evaluated 2019-10-22.

Allele frequency attached by ClinVar (database versions not stated): gnomAD exomes below 0.00001; ExAC 0.00001; gnomAD 0.00006.
gnomAD v4.1: 11 of 1,575,484 alleles (0.0007%); highest among the groups gnomAD compares: Non-Finnish European, 0.00096%; no homozygotes.

Submissions (2):

Blueprint Genetics
Classification: Likely benign. Last evaluated: 2019-10-22. Review status: criteria provided, single submitter. Criteria: ACMG Guidelines, 2015. Collection method: clinical testing. Allele origin: germline.

GeneDx
Classification: Likely benign. Last evaluated: 2017-08-24. Review status: criteria provided, single submitter. Criteria: GeneDx Variant Classification (06012015). Collection method: clinical testing. Allele origin: germline. Affected: yes.
Comment: This variant is considered likely benign or benign based on one or more of the following criteria: it is a conservative change, it occurs at a poorly conserved position in the protein, it is predicted to be benign by multiple in silico algorithms, and/or has population frequency not consistent with disease.